The following is an entry in ClinVar:

ClinVar aggregate classification (germline): Uncertain significance (1 of 4 stars; one submission).

Allele frequency attached by ClinVar (database versions not stated): ExAC 0.00001; gnomAD exomes 0.00001; TOPMed 0.00001.
gnomAD v4.1: 13 of 1,614,060 alleles (0.00081%); highest among the groups gnomAD compares: East Asian, 0.0045%; no homozygotes.

Submission:

Labcorp Genetics (formerly Invitae), Labcorp
Classification: Uncertain significance. Last evaluated: 2026-01-11. Review status: criteria provided, single submitter. Criteria: Invitae Variant Classification Sherloc (09022015). Collection method: clinical testing. Allele origin: germline.
Comment: This sequence change replaces glutamic acid, which is acidic and polar, with lysine, which is basic and polar, at codon 438 of the ALPK1 protein (p.Glu438Lys). This variant is present in population databases (rs779895727, gnomAD 0.003%). This variant has not been reported in the literature in individuals affected with ALPK1-related conditions. ClinVar contains an entry for this variant (Variation ID: 2428406). Invitae Evidence Modeling of protein sequence and biophysical properties (such as structural, functional, and spatial information, amino acid conservation, physicochemical variation, residue mobility, and thermodynamic stability) indicates that this missense variant is not expected to disrupt ALPK1 protein function with a negative predictive value of 80%. In summary, the available evidence is currently insufficient to determine the role of this variant in disease. Therefore, it has been classified as a Variant of Uncertain Significance.

NM_025144.4(ALPK1):c.1312G>A (p.Glu438Lys)

Gene: ALPK1 (alpha kinase 1; plus strand). Cytogenetic location: 4q25.
Variant type: single nucleotide variant.
Coding change: c.1312G>A on transcript NM_025144.4 (MANE Select); coding-DNA position 1312, G replaced by A.
Protein change: p.Glu438Lys; replaces glutamic acid 438 with lysine.
Molecular consequence: missense variant.
Genome position (GRCh38, 1-based): chr4:112,430,859, G>A. VCF-style: chr4-112430859-G-A. GRCh37 (hg19) VCF-style: chr4-113352015-G-A.
Other names: c.1312G>A, p.Glu438Lys (NM_001102406.2); c.1078G>A, p.Glu360Lys (NM_001253884.2); short protein forms E360K, E438K.
Identifiers: ClinVar variation 2428406 (VCV002428406.6), dbSNP rs779895727, ClinGen allele CA3046704.